The following is an entry in ClinVar:

ClinVar aggregate classification (germline): Uncertain significance. Review status: criteria provided, multiple submitters, no conflicts (2 of 4 stars). 2 submissions from 2 submitters: Uncertain significance (2). Last evaluated 2024-12-20.

Allele frequency attached by ClinVar (database versions not stated): ESP Exome Variant Server 0.00038; TOPMed 0.00061; ExAC 0.00021; gnomAD 0.00068; 1000 Genomes Project 0.00100; 1000 Genomes Project 30x 0.00078; gnomAD exomes 0.00009.
gnomAD v4.1: 240 of 1,609,642 alleles (0.015%); highest among the groups gnomAD compares: African/African-American, 0.28%; no homozygotes.

Submissions (2):

Dasa
Classification: Uncertain significance. Last evaluated: 2024-12-20. Review status: criteria provided, single submitter. Criteria: DASA Assertion Criteria. Collection method: clinical testing. Allele origin: germline.
Comment: NM_032141.4(NSRP1):c.446A>C (p.Lys149Thr) is a missense variant that results in the substitution of lysine with threonine. This variant is rare in population databases. The currently available literature and clinical evidence are not sufficient to establish a definitive association between this variant and the reported condition. Therefore, this variant is classified as a variant of uncertain significance.

GeneDx
Classification: Uncertain significance. Last evaluated: 2023-04-18. Review status: criteria provided, single submitter. Criteria: GeneDx Variant Classification Process June 2021. Collection method: clinical testing. Allele origin: germline. Affected: yes.
Comment: In silico analysis supports that this missense variant has a deleterious effect on protein structure/function; Has not been previously published as pathogenic or benign to our knowledge

NM_032141.4(NSRP1):c.446A>C (p.Lys149Thr)

Gene: NSRP1 (nuclear speckle splicing regulatory protein 1; plus strand). Cytogenetic location: 17q11.2.
Variant type: single nucleotide variant.
Coding change: c.446A>C on transcript NM_032141.4 (MANE Select); coding-DNA position 446, A replaced by C.
Protein change: p.Lys149Thr; replaces lysine 149 with threonine.
Molecular consequence: missense variant.
Genome position (GRCh38, 1-based): chr17:30,179,235, A>C. VCF-style: chr17-30179235-A-C. GRCh37 (hg19) VCF-style: chr17-28506253-A-C.
Other names: c.284A>C, p.Lys95Thr (NM_001261467.2); short protein forms K149T, K95T.
Identifiers: ClinVar variation 2662138 (VCV002662138.3), dbSNP rs149526911, ClinGen allele CA8479757.